The following is an entry in ClinVar:

ClinVar aggregate classification (germline): Uncertain significance. Review status: criteria provided, multiple submitters, no conflicts (2 of 4 stars). 3 submissions from 3 submitters: Uncertain significance (3). Last evaluated 2025-01-16.

Conditions:
Inborn genetic diseases. Identifiers: MedGen C0950123, MeSH D030342.

Allele frequency attached by ClinVar (database versions not stated): gnomAD 0.00003 and 0.00004; TOPMed 0.00004; gnomAD exomes 0.00007.
gnomAD v4.1: 120 of 1,502,842 alleles (0.008%); highest among the groups gnomAD compares: Middle Eastern, 0.047%; no homozygotes.

Submissions (3):

Ambry Genetics
Classification: Uncertain significance for Inborn genetic diseases. Last evaluated: 2025-01-16. Review status: criteria provided, single submitter. Criteria: Ambry Variant Classification Scheme 2023. Collection method: clinical testing. Allele origin: germline.

Blueprint Genetics
Classification: Uncertain significance. Last evaluated: 2024-09-06. Review status: criteria provided, single submitter. Criteria: ACMG Guidelines, 2015. Collection method: clinical testing. Allele origin: germline.

Labcorp Genetics (formerly Invitae), Labcorp
Classification: Uncertain significance. Last evaluated: 2023-07-17. Review status: criteria provided, single submitter. Criteria: Invitae Variant Classification Sherloc (09022015). Collection method: clinical testing. Allele origin: germline.
Comment: This sequence change replaces alanine, which is neutral and non-polar, with valine, which is neutral and non-polar, at codon 898 of the ARHGEF18 protein (p.Ala898Val). This variant is present in population databases (rs754269396, gnomAD 0.02%). This variant has not been reported in the literature in individuals affected with ARHGEF18-related conditions. ClinVar contains an entry for this variant (Variation ID: 1062529). An algorithm developed to predict the effect of missense changes on protein structure and function (PolyPhen-2) suggests that this variant¬†is likely to be tolerated. In summary, the available evidence is currently insufficient to determine the role of this variant in disease. Therefore, it has been classified as a Variant of Uncertain Significance.

NM_001367823.1(ARHGEF18):c.3257C>T (p.Ala1086Val)

Gene: ARHGEF18 (Rho/Rac guanine nucleotide exchange factor 18; plus strand). Cytogenetic location: 19p13.2.
Variant type: single nucleotide variant.
Coding change: c.3257C>T on transcript NM_001367823.1 (MANE Select); coding-DNA position 3257, C replaced by T.
Protein change: p.Ala1086Val; replaces alanine 1086 with valine.
Molecular consequence: missense variant.
Genome position (GRCh38, 1-based): chr19:7,467,461, C>T. VCF-style: chr19-7467461-C-T. GRCh37 (hg19) VCF-style: chr19-7532347-C-T.
Other names: c.2531C>T, p.Ala844Val (NM_001130955.2); c.2219C>T, p.Ala740Val (NM_001367824.1, NM_015318.4); c.2693C>T (NM_001130955.1); short protein forms A1086V, A740V, A844V.
Identifiers: ClinVar variation 1062529 (VCV001062529.7), dbSNP rs754269396, ClinGen allele CA9137129.